The following is an entry in ClinVar:

ClinVar aggregate classification (germline): Benign/Likely benign. Review status: criteria provided, multiple submitters, no conflicts (2 of 4 stars). 5 submissions from 5 submitters: Benign (1); Likely benign (4). Last evaluated 2025-06-27.

Conditions:
Hereditary cancer-predisposing syndrome. Also called: Tumor predisposition; Neoplastic Syndromes, Hereditary; Hereditary Cancer Syndrome; Hereditary neoplastic syndrome. Identifiers: Orphanet 140162, MedGen C0027672, MeSH D009386, MONDO:0015356.
Familial cancer of breast. Also called: BREAST CANCER, FAMILIAL; Hereditary breast cancer; hereditary breast carcinoma. Identifiers: Orphanet 227535, MedGen C0346153, MONDO:0016419, OMIM 114480. Disease mechanism: loss of function.
Ataxia-telangiectasia syndrome (AT). Also called: Cerebello-oculocutaneous telangiectasia; Immunodeficiency with ataxia telangiectasia; ATAXIA-TELANGIECTASIA, COMPLEMENTATION GROUP A; Ataxia-telangiectasia, complementation group D; AT, COMPLEMENTATION GROUP C; ATAXIA-TELANGIECTASIA, FRESNO VARIANT. Identifiers: Orphanet 100, MedGen C0004135, MONDO:0008840, OMIM 208900.

Allele frequency attached by ClinVar (database versions not stated): gnomAD exomes below 0.00001; gnomAD 0.00001.
gnomAD v4.1: 5 of 1,612,432 alleles (0.00031%); highest among the groups gnomAD compares: African/African-American, 0.0027%; no homozygotes.

Submissions (5):

Labcorp Genetics (formerly Invitae), Labcorp
Classification: Likely benign for Ataxia-telangiectasia syndrome. Last evaluated: 2025-06-27. Review status: criteria provided, single submitter. Criteria: Invitae Variant Classification Sherloc (09022015). Collection method: clinical testing. Allele origin: germline.

Myriad Genetics, Inc.
Classification: Benign for Familial cancer of breast. Last evaluated: 2024-04-26. Review status: criteria provided, single submitter. Criteria: Myriad Autosomal Dominant, Autosomal Recessive and X-Linked Classification Criteria (2023). Collection method: clinical testing. Allele origin: unknown.
Comment: This variant is considered benign. This variant is a silent/synonymous amino acid change and it is not expected to impact splicing.

Color Diagnostics, LLC DBA Color Health
Classification: Likely benign for Hereditary cancer-predisposing syndrome. Last evaluated: 2020-09-28. Review status: criteria provided, single submitter. Criteria: ACMG Guidelines, 2015. Collection method: clinical testing. Allele origin: germline.

GeneDx
Classification: Likely benign. Last evaluated: 2017-05-15. Review status: criteria provided, single submitter. Criteria: GeneDx Variant Classification (06012015). Collection method: clinical testing. Allele origin: germline. Affected: yes.
Comment: This variant is considered likely benign or benign based on one or more of the following criteria: it is a conservative change, it occurs at a poorly conserved position in the protein, it is predicted to be benign by multiple in silico algorithms, and/or has population frequency not consistent with disease.

Ambry Genetics
Classification: Likely benign for Hereditary cancer-predisposing syndrome. Last evaluated: 2016-06-08. Review status: criteria provided, single submitter. Criteria: Ambry Variant Classification Scheme 2023. Collection method: clinical testing. Allele origin: germline.

NM_000051.4(ATM):c.1302A>G (p.Pro434=)

Gene: ATM (ATM serine/threonine kinase; plus strand). Cytogenetic location: 11q22.3.
Variant type: single nucleotide variant.
Coding change: c.1302A>G on transcript NM_000051.4 (MANE Select); coding-DNA position 1302, A replaced by G.
Protein change: p.Pro434=; no amino-acid change (proline 434 retained).
Molecular consequence: synonymous variant.
Genome position (GRCh38, 1-based): chr11:108,250,767, A>G. VCF-style: chr11-108250767-A-G. GRCh37 (hg19) VCF-style: chr11-108121494-A-G.
Other names: c.1302A>G, p.Pro434= (NM_001351834.2).
Identifiers: ClinVar variation 479002 (VCV000479002.16), dbSNP rs1555070715, ClinGen allele CA476671904.